The following is an entry in ClinVar:

ClinVar aggregate classification (germline): Benign/Likely benign. Review status: criteria provided, multiple submitters, no conflicts (2 of 4 stars). 3 submissions from 3 submitters: Benign (1); Likely benign (2). Last evaluated 2026-03-01.

Conditions:
Inborn genetic diseases. Identifiers: MedGen C0950123, MeSH D030342.

Allele frequency attached by ClinVar (database versions not stated): gnomAD 0.00002 and 0.00004; gnomAD exomes 0.00008 and 0.00010; ExAC 0.00009; TOPMed 0.00009; ESP Exome Variant Server 0.00015.
gnomAD v4.1: 151 of 1,614,052 alleles (0.0094%); highest among the groups gnomAD compares: Non-Finnish European, 0.012%; no homozygotes.

Submissions (3):

CeGaT Center for Human Genetics Tuebingen
Classification: Likely benign. Last evaluated: 2026-03-01. Review status: criteria provided, single submitter. Criteria: CeGaT Center For Human Genetics Tuebingen Variant Classification Criteria Version 2. Collection method: clinical testing. Allele origin: germline. Affected: yes. Observed: 2 variant alleles.
Comment: MTOR: PP2, BS1

Labcorp Genetics (formerly Invitae), Labcorp
Classification: Benign. Last evaluated: 2025-07-30. Review status: criteria provided, single submitter. Criteria: Invitae Variant Classification Sherloc (09022015). Collection method: clinical testing. Allele origin: germline.

Ambry Genetics
Classification: Likely benign for Inborn genetic diseases. Last evaluated: 2023-01-26. Review status: criteria provided, single submitter. Criteria: Ambry Variant Classification Scheme 2023. Collection method: clinical testing. Allele origin: germline.

NM_004958.4(MTOR):c.7496A>G (p.Gln2499Arg)

Gene: MTOR (mechanistic target of rapamycin kinase; minus strand). Cytogenetic location: 1p36.22.
Variant type: single nucleotide variant.
Coding change: c.7496A>G on transcript NM_004958.4 (MANE Select); coding-DNA position 7496, A replaced by G.
Protein change: p.Gln2499Arg; replaces glutamine 2499 with arginine.
Molecular consequence: missense variant.
Genome position (GRCh38, 1-based): chr1:11,109,322, T>C on the plus strand (A>G on the coding strand, the complement: MTOR is on the minus strand). VCF-style: chr1-11109322-T-C. GRCh37 (hg19) VCF-style: chr1-11169379-T-C.
Other names: short protein forms Q2499R.
Identifiers: ClinVar variation 946411 (VCV000946411.33), dbSNP rs143119651, ClinGen allele CA588810.